The following is an entry in ClinVar:

ClinVar aggregate classification (germline): Uncertain significance. Review status: criteria provided, multiple submitters, no conflicts (2 of 4 stars). 2 submissions from 2 submitters: Uncertain significance (2). Last evaluated 2026-04-11.

Conditions:
Inborn genetic diseases. Identifiers: MedGen C0950123, MeSH D030342.
X-linked lymphoproliferative disease due to XIAP deficiency. Also called: XIAP-Related Lymphoproliferative Disease, X-Linked; XIAP DEFICIENCY. Identifiers: Orphanet 2442, Orphanet 538934, MedGen C1845076, MONDO:0010385, OMIM 300635.

Allele frequency attached by ClinVar (database versions not stated): gnomAD exomes 0.00001.
gnomAD v4.1: 3 of 1,211,600 alleles (0.00025%); highest among the groups gnomAD compares: Admixed American, 0.0022%; no homozygotes.

Submissions (2):

Ambry Genetics
Classification: Uncertain significance for Inborn genetic diseases. Last evaluated: 2026-04-11. Review status: criteria provided, single submitter. Criteria: Ambry Variant Classification Scheme 2023. Collection method: clinical testing. Allele origin: germline.
Comment: The c.697C>T (p.R233W) alteration is located in exon 2 (coding exon 1) of the XIAP gene. This alteration results from a C to T substitution at nucleotide position 697, causing the arginine (R) at amino acid position 233 to be replaced by a tryptophan (W). Based on data from gnomAD, the T allele has an overall frequency of <0.001% (1/183491) total alleles studied. The highest observed frequency was 0.004% (1/27431) of Latino alleles. Based on insufficient or conflicting evidence, the clinical significance of this alteration remains unclear.

Labcorp Genetics (formerly Invitae), Labcorp
Classification: Uncertain significance for X-linked lymphoproliferative disease due to XIAP deficiency. Last evaluated: 2024-08-06. Review status: criteria provided, single submitter. Criteria: Invitae Variant Classification Sherloc (09022015). Collection method: clinical testing. Allele origin: germline.
Comment: This sequence change replaces arginine, which is basic and polar, with tryptophan, which is neutral and slightly polar, at codon 233 of the XIAP protein (p.Arg233Trp). This variant is present in population databases (no rsID available, gnomAD 0.004%). This variant has not been reported in the literature in individuals affected with XIAP-related conditions. ClinVar contains an entry for this variant (Variation ID: 1360222). Advanced modeling of protein sequence and biophysical properties (such as structural, functional, and spatial information, amino acid conservation, physicochemical variation, residue mobility, and thermodynamic stability) performed at Invitae indicates that this missense variant is not expected to disrupt XIAP protein function with a negative predictive value of 80%. In summary, the available evidence is currently insufficient to determine the role of this variant in disease. Therefore, it has been classified as a Variant of Uncertain Significance.

NM_001167.4(XIAP):c.697C>T (p.Arg233Trp)

Gene: XIAP (X-linked inhibitor of apoptosis; plus strand). Cytogenetic location: Xq25.
Variant type: single nucleotide variant.
Coding change: c.697C>T on transcript NM_001167.4 (MANE Select); coding-DNA position 697, C replaced by T.
Protein change: p.Arg233Trp; replaces arginine 233 with tryptophan.
Molecular consequence: missense variant.
Genome position (GRCh38, 1-based): chrX:123,886,359, C>T. VCF-style: chrX-123886359-C-T. GRCh37 (hg19) VCF-style: chrX-123020209-C-T.
Other names: c.697C>T, p.Arg233Trp (NM_001204401.2, NM_001378590.1, NM_001378591.1 and 1 more transcripts); c.697C>T (NM_001167.3); short protein forms R233W.
Identifiers: ClinVar variation 1360222 (VCV001360222.9), dbSNP rs906431319, ClinGen allele CA335076453.